The following is an entry in ClinVar:

NM_000257.4(MYH7):c.5690G>A (p.Arg1897His)

Gene: MYH7 (myosin heavy chain 7; minus strand). Cytogenetic location: 14q11.2.
Variant type: single nucleotide variant.
Coding change: c.5690G>A on transcript NM_000257.4 (MANE Select); coding-DNA position 5690, G replaced by A.
Protein change: p.Arg1897His; replaces arginine 1897 with histidine.
Molecular consequence: missense variant.
Genome position (GRCh38, 1-based): chr14:23,413,859, C>T on the plus strand (G>A on the coding strand, the complement: MYH7 is on the minus strand). VCF-style: chr14-23413859-C-T. GRCh37 (hg19) VCF-style: chr14-23883068-C-T.
Other names: p.R1897H:CGC>CAC; short protein forms R1897H.
Identifiers: ClinVar variation 164264 (VCV000164264.77), dbSNP rs727503240, ClinGen allele CA016369.

ClinVar aggregate classification (germline): Conflicting classifications of pathogenicity. Review status: criteria provided, conflicting classifications (1 of 4 stars). 15 submissions from 15 submitters: Likely pathogenic (1); Uncertain significance (11). 3 of the submissions do not count toward it. Last evaluated 2026-06-16.

Conditions:
Cardiovascular phenotype. Identifiers: MedGen CN230736.
MYH7-related disorder. Also called: MYH7-related disorders; MYH7-related condition; MYH7-related disease.
Myopathy, myosin storage, autosomal recessive (CMYO7B). Also called: CONGENITAL MYOPATHY 7B, MYOSIN STORAGE, AUTOSOMAL RECESSIVE. Identifiers: Orphanet 636970, MedGen C1850709, MONDO:0009708, OMIM 255160.
Dilated cardiomyopathy 1S (CMD1S). Identifiers: Orphanet 154, Orphanet 54260, MedGen C1834481, MONDO:0013262, OMIM 613426.
MYH7-related skeletal myopathy. Also called: Laing distal myopathy; Laing early-onset distal myopathy; MYOPATHY, DISTAL, EARLY-ONSET, AUTOSOMAL DOMINANT; MYOPATHY, LATE DISTAL HEREDITARY; Myopathy, distal, 1. Identifiers: Orphanet 59135, MedGen C4552004, MONDO:0008050, OMIM 160500.
Hypertrophic cardiomyopathy 1 (CMH1). Also called: Familial hypertrophic cardiomyopathy 1; MYH7-Related Familial Hypertrophic Cardiomyopathy. Identifiers: MedGen C3495498, MONDO:0008647, OMIM 192600.
Myosin storage myopathy (CMYO7A). Also called: SCAPULOPERONEAL MUSCULAR DYSTROPHY; SCAPULOPERONEAL SYNDROME, MYOPATHIC TYPE; MYOPATHY, HYALINE BODY, AUTOSOMAL DOMINANT; Scapuloperoneal myopathy, MYH7-related; MYH7-related late-onset scapuloperoneal muscular dystrophy; Congenital myopathy 7A, myosin storage, autosomal dominant. Identifiers: Orphanet 437572, Orphanet 636965, MedGen C1842160, MONDO:0008409, OMIM 608358.
Cardiomyopathy (CMYO). Also called: Cardiomyopathies. Identifiers: Orphanet 167848, MedGen C0878544, MONDO:0004994, HP:0001638. Inheritance: Various modes of inheritance.
Left ventricular noncompaction. Identifiers: Orphanet 54260, MedGen C1960469, MONDO:0018901, HP:0030682.
Left ventricular noncompaction cardiomyopathy. Also called: left ventricular non-compaction cardiomyopathy. Identifiers: MedGen C4021133, HP:0011664.
Hypertrophic cardiomyopathy. Also called: HYPERTROPHIC MYOCARDIOPATHY. Identifiers: Orphanet 217569, MedGen C0007194, MeSH D002312, MONDO:0005045, HP:0001639.

Allele frequency attached by ClinVar (database versions not stated): gnomAD exomes below 0.00001 and 0.00004; gnomAD 0.00001; TOPMed 0.00001.
gnomAD v4.1: 54 of 1,614,110 alleles (0.0033%); highest among the groups gnomAD compares: Middle Eastern, 0.033%; no homozygotes.

Submissions 1 to 7 of 15:

PreventionGenetics, part of Exact Sciences
Classification: Uncertain significance for MYH7-related condition. Last evaluated: 2026-06-16. Review status: criteria provided, single submitter. Criteria: ACMG Guidelines, 2015. Collection method: clinical testing. Allele origin: germline.
Comment: The MYH7 c.5690G>A variant is predicted to result in the amino acid substitution p.Arg1897His. This variant has been reported in individuals with hypertrophic cardiomyopathy (HCM) and dilated cardiomyopathy (DCM) (Table S1, Lopes et al. 2015. PubMed ID: 25351510; Table S1A, Walsh et al. 2016. PubMed ID: 27532257; Table S3, Mazzarotto et al. 2020. PubMed ID: 31983221; Supplemental File 2, van Lint et al. 2019. PubMed ID: 30847666). This variant has also been reported in at least two individuals with left ventricular non-compaction (LVNC); however, a second MYH7 variant was also reported in one of the individuals (Mazzarotto et al. 2021. PubMed ID: 33500567; Table SII, Bagnall et al. 2022. PubMed ID: 36252119). This variant is reported in 0.0033% of alleles in individuals of South Asian descent in gnomAD and has conflicting interpretations in ClinVar ranging from uncertain to likely pathogenic (Variation ID: 164264). At this time, the clinical significance of this variant is uncertain due to the absence of conclusive functional and genetic evidence.

Labcorp Genetics (formerly Invitae), Labcorp
Classification: Likely pathogenic for Hypertrophic cardiomyopathy. Last evaluated: 2025-11-27. Review status: criteria provided, single submitter. Criteria: Invitae Variant Classification Sherloc (09022015). Collection method: clinical testing. Allele origin: germline.
Comment: This sequence change replaces arginine, which is basic and polar, with histidine, which is basic and polar, at codon 1897 of the MYH7 protein (p.Arg1897His). This variant is present in population databases (rs727503240, gnomAD 0.003%). This missense change has been observed in individual(s) with dilated cardiomyopathy and/or hypertrophic cardiomyopathy, left ventricular noncompaction (PMID: 25351510, 27532257, 31983221, 33500567, 36252119; internal data). It has also been observed to segregate with disease in related individuals. ClinVar contains an entry for this variant (Variation ID: 164264). Invitae Evidence Modeling of protein sequence and biophysical properties (such as structural, functional, and spatial information, amino acid conservation, physicochemical variation, residue mobility, and thermodynamic stability) indicates that this missense variant is expected to disrupt MYH7 protein function with a positive predictive value of 95%. In summary, the currently available evidence indicates that the variant is pathogenic, but additional data are needed to prove that conclusively. Therefore, this variant has been classified as Likely Pathogenic.

Mayo Clinic Laboratories, Mayo Clinic
Classification: Uncertain significance. Last evaluated: 2025-10-30. Review status: criteria provided, single submitter. Criteria: ACMG Guidelines, 2015. Collection method: clinical testing. Allele origin: germline. Observed: 1 variant allele.
Comment: PP3, PM2_supporting, PS4_supporting

Ambry Genetics
Classification: Uncertain significance for Cardiovascular phenotype. Last evaluated: 2025-01-13. Review status: criteria provided, single submitter. Criteria: Ambry Variant Classification Scheme 2023. Collection method: clinical testing. Allele origin: germline.
Comment: The p.R1897H variant (also known as c.5690G>A), located in coding exon 37 of the MYH7 gene, results from a G to A substitution at nucleotide position 5690. The arginine at codon 1897 is replaced by histidine, an amino acid with highly similar properties. This variant has been detected in a variety of cardiomyopathy cohorts, including individuals with hypertrophic cardiomyopathy (HCM), dilated cardiomyopathy (DCM), and left ventricular non-compaction (LVNC); however, some individuals had co-occurring variants, and clinical details were limited (Lopes LR et al. Heart, 2015 Feb;101:294-301; Walsh R et al. Genet Med, 2017 02;19:192-203; van Lint FHM et al. Neth Heart J, 2019 Jun;27:304-309; Mazzarotto F et al. Circulation, 2020 02;141:387-398; Hou YC et al. Proc Natl Acad Sci U S A, 2020 02;117:3053-3062; Harper AR et al. Nat Genet, 2021 02;53:135-142; Mazzarotto F et al. Genet Med, 2021 05;23:856-864). This amino acid position is highly conserved in available vertebrate species. In addition, this alteration is predicted to be deleterious by in silico analysis. Since supporting evidence is limited at this time, the clinical significance of this alteration remains unclear.

Blueprint Genetics
Classification: Uncertain significance. Last evaluated: 2024-10-29. Review status: criteria provided, single submitter. Criteria: ACMG Guidelines, 2015. Collection method: clinical testing. Allele origin: germline.

All of Us Research Program, National Institutes of Health
Classification: Uncertain significance for Cardiomyopathy. Last evaluated: 2024-04-16. Review status: criteria provided, single submitter. Criteria: ACMG Guidelines, 2015. Collection method: clinical testing. Allele origin: germline. Inheritance: Autosomal dominant inheritance. Observed: 2 variant alleles, 2 heterozygotes.
Comment: This missense variant replaces arginine with histidine at codon 1897 of the MYH7 protein. Computational prediction tools indicate that this variant has a deleterious impact on protein structure and function. To our knowledge, functional studies have not been reported for this variant. This variant has been reported in at least five individuals affected with dilated cardiomyopathy (PMID: 30847666, 31983221, 35284542; ClinVar SCV001430834.1, SCV000546189.5). It has also been reported in two individuals affected with hypertrophic cardiomyopathy (PMID: 25351510, 27532257) and in two individuals affected with left ventricular noncompaction (PMID: 33500567, 36252119). In one family affected with left ventricular noncompaction, it has been shown that this variant segregates with disease in two individuals (PMID: 36252119). This variant has been identified in 1/251464 chromosomes in the general population by the Genome Aggregation Database (gnomAD). The available evidence is insufficient to determine the role of this variant in disease conclusively. Therefore, this variant is classified as a Variant of Uncertain Significance.

This study involves interpretation of variants in research participants for the purpose of population health screening. Participant phenotype was not available at the time of variant classification. Additional details can be found in publication PMID: 35346344, PMCID: PMC8962531

Color Diagnostics, LLC DBA Color Health
Classification: Uncertain significance for Cardiomyopathy. Last evaluated: 2024-03-11. Review status: criteria provided, single submitter. Criteria: ACMG Guidelines, 2015. Collection method: clinical testing. Allele origin: germline.
Comment: This missense variant replaces arginine with histidine at codon 1897 of the MYH7 protein. Computational prediction tools indicate that this variant has a deleterious impact on protein structure and function. To our knowledge, functional studies have not been reported for this variant. This variant has been reported in at least five individuals affected with dilated cardiomyopathy (PMID: 30847666, 31983221, 35284542; ClinVar SCV001430834.1, SCV000546189.5). It has also been reported in two individuals affected with hypertrophic cardiomyopathy (PMID: 25351510, 27532257) and in two individuals affected with left ventricular noncompaction (PMID: 33500567, 36252119). In one family affected with left ventricular noncompaction, it has been shown that this variant segregates with disease in two individuals (PMID: 36252119). This variant has been identified in 1/251464 chromosomes in the general population by the Genome Aggregation Database (gnomAD). The available evidence is insufficient to determine the role of this variant in disease conclusively. Therefore, this variant is classified as a Variant of Uncertain Significance.